The following is an entry in ClinVar:

ClinVar aggregate classification (germline): Uncertain significance (1 of 4 stars; one submission).

Conditions:
Myopathy, proximal, and ophthalmoplegia (CMYO6). Also called: CONGENITAL MYOPATHY 6 WITH OPHTHALMOPLEGIA; MYOPATHY WITH CONGENITAL JOINT CONTRACTURES, OPHTHALMOPLEGIA, AND RIMMED VACUOLES; INCLUSION BODY MYOPATHY 3, AUTOSOMAL DOMINANT. Identifiers: Orphanet 363677, Orphanet 79091, MedGen C1854106, MONDO:0011577, OMIM 605637.

Allele frequency attached by ClinVar (database versions not stated): gnomAD exomes below 0.00001; gnomAD 0.00001; TOPMed 0.00002.
gnomAD v4.1: 6 of 1,613,864 alleles (0.00037%); highest among the groups gnomAD compares: African/African-American, 0.0067%; no homozygotes.

Submission:

MGZ Medical Genetics Center
Classification: Uncertain significance for Myopathy, proximal, and ophthalmoplegia. Last evaluated: 2022-05-11. Review status: criteria provided, single submitter. Criteria: ACMG Guidelines, 2015. Collection method: clinical testing. Allele origin: germline. Affected: yes. Observed: 1 variant allele.
Comment: ACMG criteria applied: PM2_SUP, BP4

NM_017534.6(MYH2):c.1072G>T (p.Ala358Ser)

Genes: MYH2 (myosin heavy chain 2; minus strand), MYHAS (myosin heavy chain gene cluster antisense RNA; plus strand). Cytogenetic location: 17p13.1.
Variant type: single nucleotide variant.
Coding change: c.1072G>T on transcript NM_017534.6 (MANE Select); coding-DNA position 1072, G replaced by T.
Protein change: p.Ala358Ser; replaces alanine 358 with serine.
Molecular consequence: missense variant.
Genome position (GRCh38, 1-based): chr17:10,540,003, C>A on the plus strand (G>T on the coding strand, the complement: MYH2 is on the minus strand). VCF-style: chr17-10540003-C-A. GRCh37 (hg19) VCF-style: chr17-10443320-C-A.
Other names: c.1072G>T, p.Ala358Ser (NM_001100112.2); short protein forms A358S.
Identifiers: ClinVar variation 1709133 (VCV001709133.2), dbSNP rs1407974541, ClinGen allele CA398163097.